The following is an entry in ClinVar:

NM_006268.5(DPF2):c.1169C>A (p.Ser390Tyr)

Gene: DPF2 (double PHD fingers 2; plus strand). Cytogenetic location: 11q13.1.
Variant type: single nucleotide variant.
Coding change: c.1169C>A on transcript NM_006268.5 (MANE Select); coding-DNA position 1169, C replaced by A.
Protein change: p.Ser390Tyr; replaces serine 390 with tyrosine.
Molecular consequence: missense variant.
Genome position (GRCh38, 1-based): chr11:65,351,752, C>A. VCF-style: chr11-65351752-C-A. GRCh37 (hg19) VCF-style: chr11-65119223-C-A.
Other names: c.1211C>A, p.Ser404Tyr (NM_001330308.2); short protein forms S390Y, S404Y.
Identifiers: ClinVar variation 1678611 (VCV001678611.7), dbSNP rs765632713, ClinGen allele CA6095485.

ClinVar aggregate classification (germline): Conflicting classifications of pathogenicity. Review status: criteria provided, conflicting classifications (1 of 4 stars). 2 submissions from 2 submitters: Uncertain significance (1); Likely benign (1). Last evaluated 2025-05-01.

Conditions:
Coffin-Siris syndrome 7. Identifiers: MedGen C4747954, MONDO:0054831, OMIM 618027.

Allele frequency attached by ClinVar (database versions not stated): ExAC 0.00002; gnomAD 0.00002 and 0.00003; gnomAD exomes 0.00002; TOPMed 0.00003.
gnomAD v4.1: 36 of 1,612,988 alleles (0.0022%); highest among the groups gnomAD compares: Middle Eastern, 0.019%; no homozygotes.

Submissions (2):

Labcorp Genetics (formerly Invitae), Labcorp
Classification: Likely benign. Last evaluated: 2025-05-01. Review status: criteria provided, single submitter. Criteria: Invitae Variant Classification Sherloc (09022015). Collection method: clinical testing. Allele origin: germline.

Molecular Genetics, Royal Melbourne Hospital
Classification: Uncertain significance for Coffin-Siris syndrome 7. Last evaluated: 2020-11-20. Review status: criteria provided, single submitter. Criteria: ACMG Guidelines, 2015. Collection method: clinical testing. Allele origin: germline.
Comment: This sequence change is predicted to replace serine with tyrosine at codon 390 of the DPF2 protein (p.(Ser390Tyr)). The serine residue is lowly conserved (100 vertebrates, UCSC), and is not located in a known functional domain. There is a large physicochemical difference between serine and tyrosine. The variant is present in a large population cohort at a frequency of 0.002% (rs765632713, 6/282,870 alleles, 0 homozygotes in gnomAD v2.1), and has not been reported in the relevant medical literature or databases. Multiple lines of computational evidence predict a benign effect for the missense substitution (5/6 algorithms). Based on the classification scheme RMH Modified ACMG Guidelines v1.3.0, this variant is classified as a VARIANT OF UNCERTAIN SIGNIFICANCE. Following criteria are met: BP4.